The following is an entry in ClinVar:

ClinVar aggregate classification (germline): Uncertain significance (1 of 4 stars; one submission).

Conditions:
Hereditary spastic paraplegia 49 (HSAN9). Also called: Spastic paraplegia 49, autosomal recessive; TECPR2-Related Hereditary Sensory and Autonomic Neuropathy with Intellectual Disability; NEUROPATHY, HEREDITARY SENSORY AND AUTONOMIC, TYPE IX, WITH DEVELOPMENTAL DELAY. Identifiers: Orphanet 320385, MedGen C5190860, MONDO:0014016, OMIM 615031.

Allele frequency attached by ClinVar (database versions not stated): ExAC 0.00002.

Submission:

Labcorp Genetics (formerly Invitae), Labcorp
Classification: Uncertain significance for Hereditary spastic paraplegia 49. Last evaluated: 2021-09-01. Review status: criteria provided, single submitter. Criteria: Invitae Variant Classification Sherloc (09022015). Collection method: clinical testing. Allele origin: germline.
Comment: This sequence change replaces serine with asparagine at codon 129 of the TECPR2 protein (p.Ser129Asn). The serine residue is moderately conserved and there is a small physicochemical difference between serine and asparagine. This variant is present in population databases (rs759279744, ExAC 0.02%). This variant has not been reported in the literature in individuals affected with TECPR2-related conditions. Algorithms developed to predict the effect of missense changes on protein structure and function (SIFT, PolyPhen-2, Align-GVGD) all suggest that this variant is likely to be tolerated. In summary, the available evidence is currently insufficient to determine the role of this variant in disease. Therefore, it has been classified as a Variant of Uncertain Significance.

NM_014844.5(TECPR2):c.386G>A (p.Ser129Asn)

Gene: TECPR2 (tectonin beta-propeller repeat containing 2; plus strand). Cytogenetic location: 14q32.31.
Variant type: single nucleotide variant.
Coding change: c.386G>A on transcript NM_014844.5 (MANE Select); coding-DNA position 386, G replaced by A.
Protein change: p.Ser129Asn; replaces serine 129 with asparagine.
Molecular consequence: missense variant.
Genome position (GRCh38, 1-based): chr14:102,408,525, G>A. VCF-style: chr14-102408525-G-A. GRCh37 (hg19) VCF-style: chr14-102874862-G-A.
Other names: c.386G>A, p.Ser129Asn (NM_001172631.3); short protein forms S129N.
Identifiers: ClinVar variation 2145942 (VCV002145942.1), dbSNP rs759279744, ClinGen allele CA7357435.